The following is an entry in ClinVar:

ClinVar aggregate classification (germline): Uncertain significance. Review status: criteria provided, multiple submitters, no conflicts (2 of 4 stars). 2 submissions from 2 submitters: Uncertain significance (2). Last evaluated 2020-02-10.

Conditions:
Developmental and epileptic encephalopathy, 33 (DEE33). Also called: Epileptic encephalopathy, early infantile, 33. Identifiers: Orphanet 442835, MedGen C4225337, MONDO:0014625, OMIM 616409.

Submissions (2):

Mayo Clinic Laboratories, Mayo Clinic
Classification: Uncertain significance. Last evaluated: 2020-02-10. Review status: criteria provided, single submitter. Criteria: ACMG Guidelines, 2015. Collection method: clinical testing. Allele origin: germline. Observed: 1 variant allele.

Labcorp Genetics (formerly Invitae), Labcorp
Classification: Uncertain significance for Developmental and epileptic encephalopathy, 33. Last evaluated: 2018-10-25. Review status: criteria provided, single submitter. Criteria: Invitae Variant Classification Sherloc (09022015). Collection method: clinical testing. Allele origin: germline.
Comment: In summary, the available evidence is currently insufficient to determine the role of this variant in disease. Therefore, it has been classified as a Variant of Uncertain Significance. Algorithms developed to predict the effect of missense changes on protein structure and function are either unavailable or do not agree on the potential impact of this missense change (SIFT: "Deleterious"; PolyPhen-2: "Possibly Damaging"; Align-GVGD: "Class C15"). This variant has not been reported in the literature in individuals with EEF1A2-related disease. This variant is not present in population databases (ExAC no frequency). This sequence change replaces valine with methionine at codon 191 of the EEF1A2 protein (p.Val191Met). The valine residue is highly conserved and there is a small physicochemical difference between valine and methionine.

NM_001958.5(EEF1A2):c.571G>A (p.Val191Met)

Gene: EEF1A2 (eukaryotic translation elongation factor 1 alpha 2; minus strand). Cytogenetic location: 20q13.33.
Variant type: single nucleotide variant.
Coding change: c.571G>A on transcript NM_001958.5 (MANE Select); coding-DNA position 571, G replaced by A.
Protein change: p.Val191Met; replaces valine 191 with methionine.
Molecular consequence: missense variant.
Genome position (GRCh38, 1-based): chr20:63,494,855, C>T on the plus strand (G>A on the coding strand, the complement: EEF1A2 is on the minus strand). VCF-style: chr20-63494855-C-T. GRCh37 (hg19) VCF-style: chr20-62126208-C-T.
Other names: short protein forms V191M.
Identifiers: ClinVar variation 649863 (VCV000649863.13), dbSNP rs1600907642, ClinGen allele CA409649362.